The following is an entry in ClinVar:

ClinVar aggregate classification (germline): Uncertain significance (1 of 4 stars; one submission).

Submission:

Labcorp Genetics (formerly Invitae), Labcorp
Classification: Uncertain significance. Last evaluated: 2021-05-21. Review status: criteria provided, single submitter. Criteria: Invitae Variant Classification Sherloc (09022015). Collection method: clinical testing. Allele origin: germline.
Comment: In summary, the available evidence is currently insufficient to determine the role of this variant in disease. Therefore, it has been classified as a Variant of Uncertain Significance. Algorithms developed to predict the effect of sequence changes on RNA splicing suggest that this variant may create or strengthen a splice site, but this prediction has not been confirmed by published transcriptional studies. Algorithms developed to predict the effect of missense changes on protein structure and function are either unavailable or do not agree on the potential impact of this missense change (SIFT: "Tolerated"; PolyPhen-2: "Possibly Damaging"; Align-GVGD: "Class C0"). This variant has not been reported in the literature in individuals with PCNT-related conditions. This variant is not present in population databases (ExAC no frequency). This sequence change replaces alanine with glycine at codon 2068 of the PCNT protein (p.Ala2068Gly). The alanine residue is moderately conserved and there is a small physicochemical difference between alanine and glycine.

NM_006031.6(PCNT):c.6203C>G (p.Ala2068Gly)

Gene: PCNT (pericentrin; plus strand). Cytogenetic location: 21q22.3.
Variant type: single nucleotide variant.
Coding change: c.6203C>G on transcript NM_006031.6 (MANE Select); coding-DNA position 6203, C replaced by G.
Protein change: p.Ala2068Gly; replaces alanine 2068 with glycine.
Molecular consequence: missense variant.
Genome position (GRCh38, 1-based): chr21:46,416,121, C>G. VCF-style: chr21-46416121-C-G. GRCh37 (hg19) VCF-style: chr21-47836035-C-G.
Other names: c.5849C>G, p.Ala1950Gly (NM_001315529.2); short protein forms A1950G, A2068G.
Identifiers: ClinVar variation 1483127 (VCV001483127.8), dbSNP rs2147769466, ClinGen allele CA410562340.